The following is an entry in ClinVar:

ClinVar aggregate classification (germline): Uncertain significance (1 of 4 stars; one submission).

Conditions:
Hereditary cancer-predisposing syndrome. Also called: Tumor predisposition; Neoplastic Syndromes, Hereditary; Hereditary Cancer Syndrome; Hereditary neoplastic syndrome. Identifiers: Orphanet 140162, MedGen C0027672, MeSH D009386, MONDO:0015356.

Submission:

Ambry Genetics
Classification: Uncertain significance for Hereditary cancer-predisposing syndrome. Last evaluated: 2024-12-12. Review status: criteria provided, single submitter. Criteria: Ambry Variant Classification Scheme 2023. Collection method: clinical testing. Allele origin: germline.
Comment: The p.D693G variant (also known as c.2078A>G), located in coding exon 19 of the MRE11A gene, results from an A to G substitution at nucleotide position 2078. The aspartic acid at codon 693 is replaced by glycine, an amino acid with similar properties. This amino acid position is conserved. In addition, the in silico prediction for this alteration is inconclusive. Based on the available evidence, the clinical significance of this variant remains unclear.

NM_005591.4(MRE11):c.2078A>G (p.Asp693Gly)

Gene: MRE11 (MRE11 double strand break repair nuclease; minus strand). Cytogenetic location: 11q21.
Variant type: single nucleotide variant.
Coding change: c.2078A>G on transcript NM_005591.4 (MANE Select); coding-DNA position 2078, A replaced by G.
Protein change: p.Asp693Gly; replaces aspartic acid 693 with glycine.
Molecular consequence: missense variant.
Genome position (GRCh38, 1-based): chr11:94,420,174, T>C on the plus strand (A>G on the coding strand, the complement: MRE11 is on the minus strand). VCF-style: chr11-94420174-T-C. GRCh37 (hg19) VCF-style: chr11-94153340-T-C.
Other names: c.2075A>G, p.Asp692Gly (NM_001330347.2); c.1994A>G, p.Asp665Gly (NM_005590.4); short protein forms D692G, D693G, D665G.
Identifiers: ClinVar variation 3874305 (VCV003874305.1).